The following is an entry in ClinVar:

ClinVar aggregate classification (germline): Uncertain significance (1 of 4 stars; one submission).

Conditions:
Inborn genetic diseases. Identifiers: MedGen C0950123, MeSH D030342.

Submission:

Ambry Genetics
Classification: Uncertain significance for Inborn genetic diseases. Last evaluated: 2023-08-25. Review status: criteria provided, single submitter. Criteria: Ambry Variant Classification Scheme 2023. Collection method: clinical testing. Allele origin: germline.
Comment: The p.G372R variant (also known as c.1114G>A), located in coding exon 9 of the BUB1B gene, results from a G to A substitution at nucleotide position 1114. The glycine at codon 372 is replaced by arginine, an amino acid with dissimilar properties. This amino acid position is conserved. In addition, this alteration is predicted to be tolerated by in silico analysis. Since supporting evidence is limited at this time, the clinical significance of this alteration remains unclear.

NM_001211.6(BUB1B):c.1114G>A (p.Gly372Arg)

Gene: BUB1B (BUB1 mitotic checkpoint serine/threonine kinase B; plus strand). Cytogenetic location: 15q15.1.
Variant type: single nucleotide variant.
Coding change: c.1114G>A on transcript NM_001211.6 (MANE Select); coding-DNA position 1114, G replaced by A.
Protein change: p.Gly372Arg; replaces glycine 372 with arginine.
Molecular consequence: missense variant.
Genome position (GRCh38, 1-based): chr15:40,196,600, G>A. VCF-style: chr15-40196600-G-A. GRCh37 (hg19) VCF-style: chr15-40488801-G-A.
Other names: short protein forms G372R.
Identifiers: ClinVar variation 2624686 (VCV002624686.2), dbSNP rs2542550347, ClinGen allele CA391687061.